The following is an entry in ClinVar:

NM_007254.4(PNKP):c.820_825del (p.Asn274_Asp275del)

Gene: PNKP (polynucleotide kinase 3'-phosphatase; minus strand). Cytogenetic location: 19q13.33.
Variant type: Deletion.
Coding change: c.820_825del on transcript NM_007254.4 (MANE Select); coding-DNA positions 820 to 825, 6 bases deleted (AACGAC; older notation c.820_825delAACGAC).
Protein change: p.Asn274_Asp275del.
Molecular consequence: inframe deletion.
Genome position (GRCh38, 1-based): chr19:49,862,730-49,862,735, GTCGTT deleted on the plus strand (AACGAC on the coding strand, the reverse complement: PNKP is on the minus strand); deleting any 6 consecutive bases within chr19:49,862,730-49,862,736 gives the same sequence; the c. name uses the placement nearest the transcript's 3' end. VCF-style (leftmost placement, unchanged base first): chr19-49862729-CGTCGTT-C. GRCh37 (hg19) VCF-style: chr19-50365986-CGTCGTT-C.
Identifiers: ClinVar variation 640621 (VCV000640621.9), dbSNP rs1600418728, ClinGen allele CA915953057.

ClinVar aggregate classification (germline): Uncertain significance (1 of 4 stars; one submission).

Conditions:
Developmental and epileptic encephalopathy, 12 (DEE12). Identifiers: MedGen C3150988, MONDO:0013389, OMIM 613722.

Submission:

Labcorp Genetics (formerly Invitae), Labcorp
Classification: Uncertain significance for Developmental and epileptic encephalopathy, 12. Last evaluated: 2024-02-24. Review status: criteria provided, single submitter. Criteria: Invitae Variant Classification Sherloc (09022015). Collection method: clinical testing. Allele origin: germline.
Comment: This variant, c.820_825del, results in the deletion of 2 amino acid(s) of the PNKP protein (p.Asn274_Asp275del), but otherwise preserves the integrity of the reading frame. This variant is not present in population databases (gnomAD no frequency). This variant has not been reported in the literature in individuals affected with PNKP-related conditions. ClinVar contains an entry for this variant (Variation ID: 640621). Experimental studies and prediction algorithms are not available or were not evaluated, and the functional significance of this variant is currently unknown. Algorithms developed to predict the effect of sequence changes on RNA splicing suggest that this variant may disrupt the consensus splice site. In summary, the available evidence is currently insufficient to determine the role of this variant in disease. Therefore, it has been classified as a Variant of Uncertain Significance.